The following is an entry in ClinVar:

NM_000814.6(GABRB3):c.675C>T (p.Phe225=)

Gene: GABRB3 (gamma-aminobutyric acid type A receptor subunit beta3; minus strand). Cytogenetic location: 15q12.
Variant type: single nucleotide variant.
Coding change: c.675C>T on transcript NM_000814.6 (MANE Select); coding-DNA position 675, C replaced by T.
Protein change: p.Phe225=; no amino-acid change (phenylalanine 225 retained).
Molecular consequence: synonymous variant.
Genome position (GRCh38, 1-based): chr15:26,580,326, G>A on the plus strand (C>T on the coding strand, the complement: GABRB3 is on the minus strand). VCF-style: chr15-26580326-G-A. GRCh37 (hg19) VCF-style: chr15-26825473-G-A.
Other names: c.420C>T, p.Phe140= (NM_001191320.2, NM_001278631.2); c.462C>T, p.Phe154= (NM_001191321.3); c.675C>T, p.Phe225= (NM_021912.5).
Identifiers: ClinVar variation 388008 (VCV000388008.53), dbSNP rs201004195, ClinGen allele CA7437386.

ClinVar aggregate classification (germline): Likely benign. Review status: criteria provided, multiple submitters, no conflicts (2 of 4 stars). 5 submissions from 5 submitters: Likely benign (4). 1 of the submissions does not count toward it. Last evaluated 2025-10-29.

Conditions:
GABRB3-related disorder. Also called: GABRB3-related condition.
Epilepsy, childhood absence, susceptibility to, 5. Identifiers: Orphanet 64280, MedGen C2677087, MONDO:0012843, OMIM 612269.
Epilepsy, childhood absence, susceptibility to, 1. Also called: Epilepsy, childhood absence 1. Identifiers: Orphanet 64280, MedGen C1838604, MONDO:0020759, OMIM 600131.

Allele frequency attached by ClinVar (database versions not stated): TOPMed 0.00015; gnomAD exomes 0.00010 and 0.00011; ExAC 0.00011; gnomAD 0.00012; ESP Exome Variant Server 0.00015.
gnomAD v4.1: 181 of 1,614,012 alleles (0.011%); highest among the groups gnomAD compares: Middle Eastern, 0.066%; no homozygotes.

Submissions (5):

Labcorp Genetics (formerly Invitae), Labcorp
Classification: Likely benign for Epilepsy, childhood absence, susceptibility to, 5; Epilepsy, childhood absence, susceptibility to, 1. Last evaluated: 2025-10-29. Review status: criteria provided, single submitter. Criteria: Invitae Variant Classification Sherloc (09022015). Collection method: clinical testing. Allele origin: germline.

Blueprint Genetics
Classification: Likely benign. Last evaluated: 2024-06-21. Review status: criteria provided, single submitter. Criteria: ACMG Guidelines, 2015. Collection method: clinical testing. Allele origin: germline.

GeneDx
Classification: Likely benign. Last evaluated: 2021-05-26. Review status: criteria provided, single submitter. Criteria: GeneDx Variant Classification Process June 2021. Collection method: clinical testing. Allele origin: germline. Affected: yes.

CeGaT Center for Human Genetics Tuebingen
Classification: Likely benign. Last evaluated: 2017-09-01. Review status: criteria provided, single submitter. Criteria: CeGaT Center For Human Genetics Tuebingen Variant Classification Criteria Version 2. Collection method: clinical testing. Allele origin: germline. Affected: yes. Observed: 1 variant allele.

PreventionGenetics, part of Exact Sciences
Classification: Likely benign for GABRB3-related condition. Last evaluated: 2019-03-20. Review status: no assertion criteria provided. Collection method: clinical testing. Allele origin: germline. Not counted in ClinVar's aggregate classification.
Comment: This variant is classified as likely benign based on ACMG/AMP sequence variant interpretation guidelines (Richards et al. 2015 PMID: 25741868, with internal and published modifications).